The following is an entry in ClinVar:

ClinVar aggregate classification (germline): Uncertain significance (1 of 4 stars; one submission).

Conditions:
Emery-Dreifuss muscular dystrophy 5, autosomal dominant (EDMD5). Also called: EMERY-DREIFUSS MUSCULAR DYSTROPHY 5. Identifiers: Orphanet 261, MedGen C2751805, MONDO:0013072, OMIM 612999.

Allele frequency attached by ClinVar (database versions not stated): ExAC 0.00001; gnomAD exomes 0.00002.
gnomAD v4.1: 5 of 1,614,210 alleles (0.00031%); highest among the groups gnomAD compares: East Asian, 0.011%; no homozygotes.

Submission:

Labcorp Genetics (formerly Invitae), Labcorp
Classification: Uncertain significance for Emery-Dreifuss muscular dystrophy 5, autosomal dominant. Last evaluated: 2022-10-25. Review status: criteria provided, single submitter. Criteria: Invitae Variant Classification Sherloc (09022015). Collection method: clinical testing. Allele origin: germline.
Comment: This sequence change replaces leucine, which is neutral and non-polar, with proline, which is neutral and non-polar, at codon 4065 of the SYNE2 protein (p.Leu4065Pro). This variant is present in population databases (rs780016521, gnomAD 0.02%). This variant has not been reported in the literature in individuals affected with SYNE2-related conditions. ClinVar contains an entry for this variant (Variation ID: 656706). Algorithms developed to predict the effect of missense changes on protein structure and function are either unavailable or do not agree on the potential impact of this missense change (SIFT: "Tolerated"; PolyPhen-2: "Probably Damaging"; Align-GVGD: "Class C0"). In summary, the available evidence is currently insufficient to determine the role of this variant in disease. Therefore, it has been classified as a Variant of Uncertain Significance.

NM_182914.3(SYNE2):c.12194T>C (p.Leu4065Pro)

Gene: SYNE2 (spectrin repeat containing nuclear envelope protein 2; plus strand). Cytogenetic location: 14q23.2.
Variant type: single nucleotide variant.
Coding change: c.12194T>C on transcript NM_182914.3 (MANE Select); coding-DNA position 12194, T replaced by C.
Protein change: p.Leu4065Pro; replaces leucine 4065 with proline.
Molecular consequence: missense variant.
Genome position (GRCh38, 1-based): chr14:64,098,034, T>C. VCF-style: chr14-64098034-T-C. GRCh37 (hg19) VCF-style: chr14-64564752-T-C.
Other names: c.12194T>C, p.Leu4065Pro (NM_015180.6); short protein forms L4065P.
Identifiers: ClinVar variation 656706 (VCV000656706.8), dbSNP rs780016521, ClinGen allele CA7222042.